The following is an entry in ClinVar:

NM_001277115.2(DNAH11):c.6922C>G (p.Pro2308Ala)

Gene: DNAH11 (dynein axonemal heavy chain 11; plus strand). Cytogenetic location: 7p15.3.
Variant type: single nucleotide variant.
Coding change: c.6922C>G on transcript NM_001277115.2 (MANE Select); coding-DNA position 6922, C replaced by G.
Protein change: p.Pro2308Ala; replaces proline 2308 with alanine.
Molecular consequence: missense variant.
Genome position (GRCh38, 1-based): chr7:21,711,799, C>G. VCF-style: chr7-21711799-C-G. GRCh37 (hg19) VCF-style: chr7-21751417-C-G.
Other names: c.6922C>G (NM_001277115.1); short protein forms P2308A.
Identifiers: ClinVar variation 1419442 (VCV001419442.8), dbSNP rs373358447, ClinGen allele CA4181043.
Genomic context (GRCh38, chr7:21,711,799, plus strand): 5'-ATTGCACTCACTCCCTTCATGAGGCTTCTGTTTGAGATACATCACTTAAGGAGCGCAACC[C>G]CGGCCACTGTTTCCAGAGCTGGTATTCTGTATGTGAACCCACAAGATCTGGGCTGGAATC-3'
Protein context (NP_001264044.1, residues 2298-2318): FEIHHLRSAT[Pro2308Ala]ATVSRAGILY

ClinVar aggregate classification (germline): Conflicting classifications of pathogenicity. Review status: criteria provided, conflicting classifications (1 of 4 stars). 3 submissions from 3 submitters: Uncertain significance (2); Likely benign (1). Last evaluated 2025-12-29.

Conditions:
Primary ciliary dyskinesia. Also called: Ciliary dyskinesia. Identifiers: Orphanet 244, MedGen C0008780, MONDO:0016575, HP:0012265.

Allele frequency attached by ClinVar (database versions not stated): ExAC 0.00002; gnomAD 0.00006; ESP Exome Variant Server 0.00008.
gnomAD v4.1: 197 of 1,613,742 alleles (0.012%); highest among the groups gnomAD compares: Non-Finnish European, 0.015%; no homozygotes.

Submissions (3):

Labcorp Genetics (formerly Invitae), Labcorp
Classification: Likely benign for Primary ciliary dyskinesia. Last evaluated: 2025-12-29. Review status: criteria provided, single submitter. Criteria: Invitae Variant Classification Sherloc (09022015). Collection method: clinical testing. Allele origin: germline.

Blueprint Genetics
Classification: Uncertain significance. Last evaluated: 2024-03-08. Review status: criteria provided, single submitter. Criteria: ACMG Guidelines, 2015. Collection method: clinical testing. Allele origin: germline.

Ambry Genetics
Classification: Uncertain significance for Primary ciliary dyskinesia. Last evaluated: 2024-02-26. Review status: criteria provided, single submitter. Criteria: Ambry Variant Classification Scheme 2023. Collection method: clinical testing. Allele origin: germline.
Comment: The p.P2308A variant (also known as c.6922C>G), located in coding exon 42 of the DNAH11 gene, results from a C to G substitution at nucleotide position 6922. The proline at codon 2308 is replaced by alanine, an amino acid with highly similar properties. This amino acid position is conserved. In addition, this alteration is predicted to be deleterious by in silico analysis. Based on the available evidence, the clinical significance of this alteration remains unclear.